The following is an entry in ClinVar:

ClinVar aggregate classification (germline): Uncertain significance. Review status: criteria provided, multiple submitters, no conflicts (2 of 4 stars). 2 submissions from 2 submitters: Uncertain significance (2). Last evaluated 2026-01-24.

Allele frequency attached by ClinVar (database versions not stated): ExAC 0.00002; gnomAD 0.00003; TOPMed 0.00003; ESP Exome Variant Server 0.00008; 1000 Genomes Project 30x 0.00016; 1000 Genomes Project 0.00020.
gnomAD v4.1: 66 of 1,614,110 alleles (0.0041%); highest among the groups gnomAD compares: South Asian, 0.0066%; no homozygotes.

Submissions (2):

Labcorp Genetics (formerly Invitae), Labcorp
Classification: Uncertain significance. Last evaluated: 2026-01-24. Review status: criteria provided, single submitter. Criteria: Invitae Variant Classification Sherloc (09022015). Collection method: clinical testing. Allele origin: germline.
Comment: This sequence change replaces proline, which is neutral and non-polar, with leucine, which is neutral and non-polar, at codon 275 of the MICAL1 protein (p.Pro275Leu). This variant is present in population databases (rs145076352, gnomAD 0.005%). This variant has not been reported in the literature in individuals affected with MICAL1-related conditions. ClinVar contains an entry for this variant (Variation ID: 2186840). An algorithm developed to predict the effect of missense changes on protein structure and function (PolyPhen-2) suggests that this variant is likely to be tolerated. In summary, the available evidence is currently insufficient to determine the role of this variant in disease. Therefore, it has been classified as a Variant of Uncertain Significance.

CeGaT Center for Human Genetics Tuebingen
Classification: Uncertain significance. Last evaluated: 2025-11-01. Review status: criteria provided, single submitter. Criteria: CeGaT Center For Human Genetics Tuebingen Variant Classification Criteria Version 2. Collection method: clinical testing. Allele origin: germline. Affected: yes. Observed: 1 variant allele.
Comment: MICAL1: PM2, BP4

NM_022765.4(MICAL1):c.767C>T (p.Pro256Leu)

Gene: MICAL1 (microtubule associated monooxygenase, calponin and LIM domain containing 1; minus strand). Cytogenetic location: 6q21.
Variant type: single nucleotide variant.
Coding change: c.767C>T on transcript NM_022765.4 (MANE Select); coding-DNA position 767, C replaced by T.
Protein change: p.Pro256Leu; replaces proline 256 with leucine.
Molecular consequence: missense variant.
Genome position (GRCh38, 1-based): chr6:109,452,311, G>A on the plus strand (C>T on the coding strand, the complement: MICAL1 is on the minus strand). VCF-style: chr6-109452311-G-A. GRCh37 (hg19) VCF-style: chr6-109773514-G-A.
Other names: c.767C>T, p.Pro256Leu (NM_001159291.2); c.824C>T, p.Pro275Leu (NM_001286613.2); short protein forms P275L, P256L.
Identifiers: ClinVar variation 2186840 (VCV002186840.10), dbSNP rs145076352, ClinGen allele CA3953630.